The following is an entry in ClinVar:

ClinVar aggregate classification (germline): Uncertain significance (1 of 4 stars; one submission).

gnomAD v4.1: 1 of 1,613,896 alleles (0.000062%); highest among the groups gnomAD compares: Non-Finnish European, 0.000085%; no homozygotes.

Submission:

CeGaT Center for Human Genetics Tuebingen
Classification: Uncertain significance. Last evaluated: 2026-05-01. Review status: criteria provided, single submitter. Criteria: CeGaT Center For Human Genetics Tuebingen Variant Classification Criteria Version 2. Collection method: clinical testing. Allele origin: germline. Affected: yes. Observed: 1 variant allele.
Comment: FIG4: PM2

NM_014845.6(FIG4):c.2076G>C (p.Leu692Phe)

Gene: FIG4 (FIG4 phosphoinositide 5-phosphatase; plus strand). Cytogenetic location: 6q21.
Variant type: single nucleotide variant.
Coding change: c.2076G>C on transcript NM_014845.6 (MANE Select); coding-DNA position 2076, G replaced by C.
Protein change: p.Leu692Phe; replaces leucine 692 with phenylalanine.
Molecular consequence: missense variant.
Genome position (GRCh38, 1-based): chr6:109,786,429, G>C. VCF-style: chr6-109786429-G-C. GRCh37 (hg19) VCF-style: chr6-110107632-G-C.
Other names: short protein forms L692F.
Identifiers: ClinVar variation 4874891 (VCV004874891.2).